The following is an entry in ClinVar:

NM_005338.7(HIP1):c.2465+4G>A

Gene: HIP1 (huntingtin interacting protein 1; minus strand). Cytogenetic location: 7q11.23.
Variant type: single nucleotide variant.
Coding change: c.2465+4G>A on transcript NM_005338.7 (MANE Select); 4 bases into the intron after coding-DNA position 2465, G replaced by A.
Molecular consequence: intron variant.
Genome position (GRCh38, 1-based): chr7:75,547,751, C>T on the plus strand (G>A on the coding strand, the complement: HIP1 is on the minus strand). VCF-style: chr7-75547751-C-T. GRCh37 (hg19) VCF-style: chr7-75177049-C-T.
Other names: c.2406+1140G>A (NM_001243198.3).
Identifiers: ClinVar variation 789011 (VCV000789011.5), dbSNP rs149128119, ClinGen allele CA4301972.

ClinVar aggregate classification (germline): Benign. Review status: criteria provided, single submitter (1 of 4 stars). 2 submissions from 2 submitters: Benign (1). 1 of the submissions does not count toward it. Last evaluated 2018-08-01.

Conditions:
HIP1-related disorder. Also called: HIP1-related condition.

Allele frequency attached by ClinVar (database versions not stated): gnomAD 0.00608 and 0.00648; TOPMed 0.00682; ESP Exome Variant Server 0.00830; 1000 Genomes Project 0.00998; 1000 Genomes Project 30x 0.01062.
gnomAD v4.1: 1,751 of 1,612,884 alleles (0.11%); highest among the groups gnomAD compares: African/African-American, 2%; 17 homozygotes.

Submissions (2):

Labcorp Genetics (formerly Invitae), Labcorp
Classification: Benign. Last evaluated: 2018-08-01. Review status: criteria provided, single submitter. Criteria: Invitae Variant Classification Sherloc (09022015). Collection method: clinical testing. Allele origin: germline.

PreventionGenetics, part of Exact Sciences
Classification: Benign for HIP1-related condition. Last evaluated: 2019-03-01. Review status: no assertion criteria provided. Collection method: clinical testing. Allele origin: germline. Not counted in ClinVar's aggregate classification.
Comment: This variant is classified as benign based on ACMG/AMP sequence variant interpretation guidelines (Richards et al. 2015 PMID: 25741868, with internal and published modifications).